The following is an entry in ClinVar:

ClinVar aggregate classification (germline): Uncertain significance (1 of 4 stars; one submission).

Conditions:
Crouzon syndrome. Also called: Craniofacial dysostosis; CRANIOFACIAL DYSOSTOSIS, TYPE I; Craniofacial dysostosis type 1; Crouzon craniofacial dysostosis; Crouzon disease. Identifiers: Orphanet 207, MedGen C0010273, MeSH D003394, MONDO:0007405, OMIM 123500, HP:0004439.

Submission:

OLLIN Analises Genomicas, OLLIN
Classification: Uncertain significance for Crouzon syndrome. Last evaluated: 2026-08-06. Review status: criteria provided, single submitter. Criteria: ACMG Guidelines 2015 PMID 25741868. Collection method: clinical testing. Allele origin: germline.
Comment: This missense variant, located in exon 5 (of 18), is absent from gnomAD and ClinVar and has not been identified in the literature. In silico analysis predicts that this variant has a deleterious effect. This gene is constrained for missense variation. According to the currently available evidence, this variant has been classified as uncertain significance (PM2_P, PP2, PP3).

NM_000141.5(FGFR2):c.584G>A (p.Gly195Glu)

Gene: FGFR2 (fibroblast growth factor receptor 2; minus strand). Cytogenetic location: 10q26.13.
Variant type: single nucleotide variant.
Coding change: c.584G>A on transcript NM_000141.5 (MANE Select); coding-DNA position 584, G replaced by A.
Protein change: p.Gly195Glu; replaces glycine 195 with glutamic acid.
Molecular consequence: missense variant. On other transcripts: non-coding transcript variant (1).
Genome position (GRCh38, 1-based): chr10:121,551,330, C>T on the plus strand (G>A on the coding strand, the complement: FGFR2 is on the minus strand). VCF-style: chr10-121551330-C-T. GRCh37 (hg19) VCF-style: chr10-123310844-C-T.
Other names: c.584G>A, p.Gly195Glu (NM_001144913.1, NM_001144914.1, NM_001144917.2 and 3 more transcripts); c.317G>A, p.Gly106Glu (NM_001144915.2, NM_001144919.2, NM_001441088.1 and 2 more transcripts); c.239G>A, p.Gly80Glu (NM_001144916.2, NM_001144918.2, NM_001441090.1 and 1 more transcripts); short protein forms G106E, G195E, G80E.
Identifiers: ClinVar variation 5002688 (VCV005002688.1).